The following is an entry in ClinVar:

NM_001102401.4(TTI2):c.1063C>T (p.Arg355Cys)

Gene: TTI2 (TELO2 interacting protein 2; minus strand). Cytogenetic location: 8p12.
Variant type: single nucleotide variant.
Coding change: c.1063C>T on transcript NM_001102401.4 (MANE Select); coding-DNA position 1063, C replaced by T.
Protein change: p.Arg355Cys; replaces arginine 355 with cysteine.
Molecular consequence: missense variant.
Genome position (GRCh38, 1-based): chr8:33,503,800, G>A on the plus strand (C>T on the coding strand, the complement: TTI2 is on the minus strand). VCF-style: chr8-33503800-G-A. GRCh37 (hg19) VCF-style: chr8-33361318-G-A.
Other names: c.1063C>T, p.Arg355Cys (NM_001265581.2, NM_025115.5); c.970C>T, p.Arg324Cys (NM_001330505.3); short protein forms R355C, R324C.
Identifiers: ClinVar variation 437081 (VCV000437081.44), dbSNP rs138108276, ClinGen allele CA4707178.

ClinVar aggregate classification (germline): Conflicting classifications of pathogenicity. Review status: criteria provided, conflicting classifications (1 of 4 stars). 3 submissions from 3 submitters: Uncertain significance (1); Likely benign (2). Last evaluated 2026-06-01.

Allele frequency attached by ClinVar (database versions not stated): 1000 Genomes Project 30x 0.00156; 1000 Genomes Project 0.00160; TOPMed 0.00272; gnomAD exomes 0.00308 and 0.00472; ExAC 0.00310; gnomAD 0.00355 and 0.00392; ESP Exome Variant Server 0.00384.
gnomAD v4.1: 7,411 of 1,614,010 alleles (0.46%); highest among the groups gnomAD compares: Non-Finnish European, 0.55%; 19 homozygotes.

Submissions (3):

CeGaT Center for Human Genetics Tuebingen
Classification: Likely benign. Last evaluated: 2026-06-01. Review status: criteria provided, single submitter. Criteria: CeGaT Center For Human Genetics Tuebingen Variant Classification Criteria Version 2. Collection method: clinical testing. Allele origin: germline. Affected: yes. Observed: 12 variant alleles.
Comment: TTI2: BS2

Labcorp Genetics (formerly Invitae), Labcorp
Classification: Likely benign. Last evaluated: 2019-12-31. Review status: criteria provided, single submitter. Criteria: Invitae Variant Classification Sherloc (09022015). Collection method: clinical testing. Allele origin: germline.

Genetic Services Laboratory, University of Chicago
Classification: Uncertain significance. Last evaluated: 2016-12-16. Review status: criteria provided, single submitter. Criteria: ACMG Guidelines, 2015. Collection method: clinical testing. Allele origin: germline. Affected: no.